The following is an entry in ClinVar:

ClinVar aggregate classification (germline): Uncertain significance. Review status: criteria provided, multiple submitters, no conflicts (2 of 4 stars). 2 submissions from 2 submitters: Uncertain significance (2). Last evaluated 2024-02-02.

Conditions:
Donnai-Barrow syndrome. Also called: DBS/FOAR SYNDROME; FACIOOCULOACOUSTICORENAL SYNDROME. Identifiers: Orphanet 2143, MedGen C1857277, MONDO:0009104, OMIM 222448.

Allele frequency attached by ClinVar (database versions not stated): gnomAD exomes 0.00006; ExAC 0.00009; gnomAD 0.00017 and 0.00018; ESP Exome Variant Server 0.00031; 1000 Genomes Project 30x 0.00062; 1000 Genomes Project 0.00080.
gnomAD v4.1: 87 of 1,612,518 alleles (0.0054%); highest among the groups gnomAD compares: African/African-American, 0.089%; no homozygotes.

Submissions (2):

Fulgent Genetics
Classification: Uncertain significance for Donnai-Barrow syndrome. Last evaluated: 2024-02-02. Review status: criteria provided, single submitter. Criteria: ACMG Guidelines, 2015. Collection method: clinical testing. Allele origin: germline.

Labcorp Genetics (formerly Invitae), Labcorp
Classification: Uncertain significance. Last evaluated: 2022-08-31. Review status: criteria provided, single submitter. Criteria: Invitae Variant Classification Sherloc (09022015). Collection method: clinical testing. Allele origin: germline.
Comment: This sequence change replaces arginine, which is basic and polar, with threonine, which is neutral and polar, at codon 2574 of the LRP2 protein (p.Arg2574Thr). This variant is present in population databases (rs149675661, gnomAD 0.04%). This variant has not been reported in the literature in individuals affected with LRP2-related conditions. ClinVar contains an entry for this variant (Variation ID: 1445184). Algorithms developed to predict the effect of missense changes on protein structure and function are either unavailable or do not agree on the potential impact of this missense change (SIFT: "Deleterious"; PolyPhen-2: "Benign"; Align-GVGD: "Class C0"). Algorithms developed to predict the effect of sequence changes on RNA splicing suggest that this variant may create or strengthen a splice site. In summary, the available evidence is currently insufficient to determine the role of this variant in disease. Therefore, it has been classified as a Variant of Uncertain Significance.

NM_004525.3(LRP2):c.7721G>C (p.Arg2574Thr)

Gene: LRP2 (LDL receptor related protein 2; minus strand). Cytogenetic location: 2q31.1.
Variant type: single nucleotide variant.
Coding change: c.7721G>C on transcript NM_004525.3 (MANE Select); coding-DNA position 7721, G replaced by C.
Protein change: p.Arg2574Thr; replaces arginine 2574 with threonine.
Molecular consequence: missense variant.
Genome position (GRCh38, 1-based): chr2:169,204,266, C>G on the plus strand (G>C on the coding strand, the complement: LRP2 is on the minus strand). VCF-style: chr2-169204266-C-G. GRCh37 (hg19) VCF-style: chr2-170060776-C-G.
Other names: short protein forms R2574T.
Identifiers: ClinVar variation 1445184 (VCV001445184.5), dbSNP rs149675661, ClinGen allele CA1954017.